The following is an entry in ClinVar:

ClinVar aggregate classification (germline): Benign/Likely benign. Review status: criteria provided, multiple submitters, no conflicts (2 of 4 stars). 11 submissions from 7 submitters: Benign (6); Likely benign (4). 1 of the submissions does not count toward it. Last evaluated 2026-06-01.

Conditions:
SCN4A-related disorder. Also called: SCN4A-related disorders.
Hypokalemic periodic paralysis, type 2 (HOKPP2). Identifiers: Orphanet 681, MedGen C2750061, MONDO:0013234, OMIM 613345.
Congenital myasthenic syndrome 16. Identifiers: Orphanet 590, MedGen C3280112, MONDO:0013620, OMIM 614198.
Paramyotonia congenita of Von Eulenburg. Also called: Paramyotonia Congenita; PARALYSIS PERIODICA PARAMYOTONICA; Eulenburg disease; Myotonia congenita intermittens; Von Eulenburg paramyotonia congenita. Identifiers: Orphanet 684, MedGen C0221055, MONDO:0008195, OMIM 168300. Disease mechanism: loss of function.
Potassium-aggravated myotonia. Also called: Myotonia congenita, atypical, acetazolamide-responsive; MYOTONIA CONGENITA, ACETAZOLAMIDE-RESPONSIVE; MYOTONIA CONGENITA, ATYPICAL; SODIUM CHANNEL MUSCLE DISEASE. Identifiers: Orphanet 612, Orphanet 99734, Orphanet 99735, Orphanet 99736, MedGen C2931826, MONDO:0018959, OMIM 608390.
Hyperkalemic periodic paralysis. Also called: Familial hyperkalemic periodic paralysis; Gamstorp disease. Identifiers: Orphanet 682, MedGen C0238357, MONDO:0008224, OMIM 170500, HP:0007215.

Allele frequency attached by ClinVar (database versions not stated): 1000 Genomes Project 0.00040; 1000 Genomes Project 30x 0.00047; ExAC 0.00118; gnomAD exomes 0.00141 and 0.00064; gnomAD 0.00021; TOPMed 0.00058.

Submissions (11):

CeGaT Center for Human Genetics Tuebingen
Classification: Likely benign. Last evaluated: 2026-06-01. Review status: criteria provided, single submitter. Criteria: CeGaT Center For Human Genetics Tuebingen Variant Classification Criteria Version 2. Collection method: clinical testing. Allele origin: germline. Affected: yes. Observed: 1 variant allele.
Comment: SCN4A: BS2

Labcorp Genetics (formerly Invitae), Labcorp
Classification: Benign for Hyperkalemic periodic paralysis. Last evaluated: 2026-01-21. Review status: criteria provided, single submitter. Criteria: Invitae Variant Classification Sherloc (09022015). Collection method: clinical testing. Allele origin: germline.

Mayo Clinic Laboratories, Mayo Clinic
Classification: Benign. Last evaluated: 2025-07-21. Review status: criteria provided, single submitter. Criteria: ACMG Guidelines, 2015. Collection method: clinical testing. Allele origin: germline. Observed: 2 variant alleles.
Comment: BA1

Blueprint Genetics
Classification: Likely benign. Last evaluated: 2022-06-13. Review status: criteria provided, single submitter. Criteria: ACMG Guidelines, 2015. Collection method: clinical testing. Allele origin: germline.

GeneDx
Classification: Likely benign. Last evaluated: 2019-11-15. Review status: criteria provided, single submitter. Criteria: GeneDx Variant Classification Process June 2021. Collection method: clinical testing. Allele origin: germline. Affected: yes.

Illumina Laboratory Services, Illumina
Classification: Likely benign for Congenital myasthenic syndrome 16. Last evaluated: 2018-01-13. Review status: criteria provided, single submitter. Criteria: ICSL Variant Classification Criteria 13 December 2019. Collection method: clinical testing. Allele origin: germline.
Comment: This variant was observed in the ICSL laboratory as part of a predisposition screen in an ostensibly healthy population. It had not been previously curated by ICSL or reported in the Human Gene Mutation Database (HGMD: prior to June 1st, 2018), and was therefore a candidate for classification through an automated scoring system. Utilizing variant allele frequency, disease prevalence and penetrance estimates, and inheritance mode, an automated score was calculated to assess if this variant is too frequent to cause the disease. Based on the score and internal cut-off values, a variant classified as likely benign is not then subjected to further curation. The score for this variant resulted in a classification of likely benign for this disease.

Illumina Laboratory Services, Illumina
Classification: Benign for Paramyotonia congenita of Von Eulenburg. Last evaluated: 2018-01-13. Review status: criteria provided, single submitter. Criteria: ICSL Variant Classification Criteria 13 December 2019. Collection method: clinical testing. Allele origin: germline.
Comment: This variant was observed in the ICSL laboratory as part of a predisposition screen in an ostensibly healthy population. It had not been previously curated by ICSL or reported in the Human Gene Mutation Database (HGMD: prior to June 1st, 2018), and was therefore a candidate for classification through an automated scoring system. Utilizing variant allele frequency, disease prevalence and penetrance estimates, and inheritance mode, an automated score was calculated to assess if this variant is too frequent to cause the disease. Based on the score and internal cut-off values, a variant classified as benign is not then subjected to further curation. The score for this variant resulted in a classification of benign for this disease.

Illumina Laboratory Services, Illumina
Classification: Benign for Potassium-aggravated myotonia. Last evaluated: 2018-01-13. Review status: criteria provided, single submitter. Criteria: ICSL Variant Classification Criteria 13 December 2019. Collection method: clinical testing. Allele origin: germline.
Comment: the same text as in the submission from Illumina Laboratory Services, Illumina above.

Illumina Laboratory Services, Illumina
Classification: Benign for Hypokalemic periodic paralysis, type 2. Last evaluated: 2018-01-13. Review status: criteria provided, single submitter. Criteria: ICSL Variant Classification Criteria 13 December 2019. Collection method: clinical testing. Allele origin: germline.
Comment: the same text as in the submission from Illumina Laboratory Services, Illumina above.

Illumina Laboratory Services, Illumina
Classification: Benign for Hyperkalemic periodic paralysis. Last evaluated: 2018-01-13. Review status: criteria provided, single submitter. Criteria: ICSL Variant Classification Criteria 13 December 2019. Collection method: clinical testing. Allele origin: germline.
Comment: the same text as in the submission from Illumina Laboratory Services, Illumina above.

PreventionGenetics, part of Exact Sciences
Classification: Benign for SCN4A-related condition. Last evaluated: 2023-01-19. Review status: no assertion criteria provided. Collection method: clinical testing. Allele origin: germline. Not counted in ClinVar's aggregate classification.
Comment: This variant is classified as benign based on ACMG/AMP sequence variant interpretation guidelines (Richards et al. 2015 PMID: 25741868, with internal and published modifications).

NM_000334.4(SCN4A):c.1430A>G (p.Lys477Arg)

Gene: SCN4A (sodium voltage-gated channel alpha subunit 4; minus strand). Cytogenetic location: 17q23.3.
Variant type: single nucleotide variant.
Coding change: c.1430A>G on transcript NM_000334.4 (MANE Select); coding-DNA position 1430, A replaced by G.
Protein change: p.Lys477Arg; replaces lysine 477 with arginine.
Molecular consequence: missense variant.
Genome position (GRCh38, 1-based): chr17:63,964,490, T>C on the plus strand (A>G on the coding strand, the complement: SCN4A is on the minus strand). VCF-style: chr17-63964490-T-C. GRCh37 (hg19) VCF-style: chr17-62041850-T-C.
Other names: p.Lys477Arg; short protein forms K477R.
Identifiers: ClinVar variation 324541 (VCV000324541.25), dbSNP rs182691342, ClinGen allele CA8709846.